The following is an entry in ClinVar:

NM_000264.5(PTCH1):c.3583A>T (p.Thr1195Ser)

Gene: PTCH1 (patched 1; minus strand). Cytogenetic location: 9q22.32.
Variant type: single nucleotide variant.
Coding change: c.3583A>T on transcript NM_000264.5 (MANE Select); coding-DNA position 3583, A replaced by T.
Protein change: p.Thr1195Ser; replaces threonine 1195 with serine.
Molecular consequence: missense variant. On other transcripts: non-coding transcript variant (1).
Genome position (GRCh38, 1-based): chr9:95,449,290, T>A on the plus strand (A>T on the coding strand, the complement: PTCH1 is on the minus strand). VCF-style: chr9-95449290-T-A. GRCh37 (hg19) VCF-style: chr9-98211572-T-A.
Other names: p.T1195S:ACA>TCA; c.3385A>T, p.Thr1129Ser (NM_001083602.3); c.3580A>T, p.Thr1194Ser (NM_001083603.3); c.3130A>T, p.Thr1044Ser (NM_001083604.3, NM_001083605.3, NM_001083606.3 and 1 more transcripts); c.3427A>T, p.Thr1143Ser (NM_001354918.2); short protein forms T1129S, T1195S, T1143S, T1194S, T1044S.
Identifiers: ClinVar variation 135100 (VCV000135100.43), dbSNP rs2236405, ClinGen allele CA161704.
Genomic context (GRCh38, chr9:95,449,290, plus strand): 5'-GCGTGTGGCCGGGCGGCATGGCGAAGCGGACCACGCTGGGGGGTGGCTCAGGGGAGGGTG[T>A]GGGCAGGCGGTTCAAGCCGTTGGCTGGAGACACCTATTTAAGGGGATTCCATGTTAAAAG-3'
Protein context (NP_000255.2, residues 1185-1205): SPANGLNRLP[Thr1195Ser]PSPEPPPSVV

ClinVar aggregate classification (germline): Benign/Likely benign. Review status: criteria provided, multiple submitters, no conflicts (2 of 4 stars). 20 submissions from 19 submitters: Benign (13); Likely benign (4). 3 of the submissions do not count toward it. Last evaluated 2026-02-04.

Conditions:
Holoprosencephaly 7 (HPE7). Identifiers: Orphanet 2162, MedGen C1835820, MONDO:0012562, OMIM 610828.
Basal cell carcinoma, susceptibility to, 1. Also called: BCC1. Identifiers: MedGen C2751544, MONDO:0011556, OMIM 605462.
Basal cell nevus syndrome 1 (BCNS1). Also called: GORLIN-GOLTZ SYNDROME; MULTIPLE BASAL CELL NEVI, ODONTOGENIC KERATOCYSTS, AND SKELETAL ANOMALIES. Identifiers: MedGen CN376810, MONDO:0958174, OMIM 109400.
Hereditary cancer-predisposing syndrome. Also called: Tumor predisposition; Hereditary neoplastic syndrome; Neoplastic Syndromes, Hereditary; Hereditary Cancer Syndrome. Identifiers: Orphanet 140162, MedGen C0027672, MeSH D009386, MONDO:0015356.
Gorlin syndrome. Also called: Nevoid Basal Cell Carcinoma Syndrome; Basal cell nevus syndrome. Identifiers: Orphanet 377, MedGen C0004779, MONDO:0007187.

Allele frequency attached by ClinVar (database versions not stated): gnomAD exomes 0.03401; ESP Exome Variant Server 0.04173; gnomAD 0.04656 and 0.04744; TOPMed 0.05093; ExAC 0.05456; 1000 Genomes Project 30x 0.07730; 1000 Genomes Project 0.07847.
gnomAD v4.1: 34,780 of 1,557,458 alleles (2.2%); highest among the groups gnomAD compares: East Asian, 13%; 1,174 homozygotes.

Submissions (20):

Labcorp Genetics (formerly Invitae), Labcorp
Classification: Benign for Gorlin syndrome. Last evaluated: 2026-02-04. Review status: criteria provided, single submitter. Criteria: Invitae Variant Classification Sherloc (09022015). Collection method: clinical testing. Allele origin: germline.

ARUP Laboratories, Molecular Genetics and Genomics, ARUP Laboratories
Classification: Benign. Last evaluated: 2025-05-06. Review status: criteria provided, single submitter. Criteria: ARUP Molecular Germline Variant Investigation Process 2024. Collection method: clinical testing. Allele origin: germline.

Center for Genomic Medicine, Rigshospitalet, Copenhagen University Hospital
Classification: Benign. Last evaluated: 2025-03-04. Review status: criteria provided, single submitter. Criteria: ACMG Guidelines, 2015. Collection method: clinical testing. Allele origin: germline.

Mayo Clinic Laboratories, Mayo Clinic
Classification: Benign. Last evaluated: 2024-12-17. Review status: criteria provided, single submitter. Criteria: ACMG Guidelines, 2015. Collection method: clinical testing. Allele origin: germline. Observed: 10 variant alleles.
Comment: BA1

Blueprint Genetics
Classification: Benign. Last evaluated: 2024-11-27. Review status: criteria provided, single submitter. Criteria: ACMG Guidelines, 2015. Collection method: clinical testing. Allele origin: germline.

KCCC/NGS Laboratory, Kuwait Cancer Control Center
Classification: Benign for Basal cell nevus syndrome 1. Last evaluated: 2023-07-07. Review status: criteria provided, single submitter. Criteria: ACMG Guidelines, 2015. Collection method: clinical testing. Allele origin: germline. Affected: yes.

Department of Pathology and Laboratory Medicine, Sinai Health System
Classification: Benign for Basal cell nevus syndrome 1; Basal cell carcinoma, susceptibility to, 1; Holoprosencephaly 7. Last evaluated: 2021-07-26. Review status: criteria provided, single submitter. Criteria: ACMG Guidelines, 2015. Collection method: clinical testing. Allele origin: germline. Affected: yes.

Sema4
Classification: Benign for Hereditary cancer-predisposing syndrome. Last evaluated: 2019-12-09. Review status: criteria provided, single submitter. Criteria: Sema4 Curation Guidelines. Collection method: curation. Allele origin: germline.

Illumina Laboratory Services, Illumina
Classification: Likely benign for Holoprosencephaly 7. Last evaluated: 2017-04-27. Review status: criteria provided, single submitter. Criteria: ICSL Variant Classification Criteria 13 December 2019. Collection method: clinical testing. Allele origin: germline.
Comment: This variant was observed as part of a predisposition screen in an ostensibly healthy population. A literature search was performed for the gene, cDNA change, and amino acid change (where applicable). No publications were found based on this search. Allele frequency data from public databases allowed determination this variant is unlikely to cause disease. Therefore, this variant is classified as likely benign.

Illumina Laboratory Services, Illumina
Classification: Likely benign for Basal cell nevus syndrome 1. Last evaluated: 2017-04-27. Review status: criteria provided, single submitter. Criteria: ICSL Variant Classification Criteria 13 December 2019. Collection method: clinical testing. Allele origin: germline.
Comment: the same text as in the submission from Illumina Laboratory Services, Illumina above.

Center for Pediatric Genomic Medicine, Children's Mercy Hospital and Clinics
Classification: Likely benign. Last evaluated: 2016-07-22. Review status: criteria provided, single submitter. Criteria: ACMG Guidelines, 2015. Collection method: clinical testing. Allele origin: germline.
ClinVar note: Converted during submission from Likely Benign to Likely benign.

Women's Health and Genetics/Laboratory Corporation of America, LabCorp
Classification: Benign. Last evaluated: 2016-05-24. Review status: criteria provided, single submitter. Criteria: LabCorp Variant Classification Summary - May 2015. Collection method: clinical testing. Allele origin: germline.
Comment: Variant summary: The PTCH1 c.3583A>T (p.Thr1195Ser) variant involves the alteration of a conserved nucleotide. 4/4 in silico tools predict a benign outcome for this variant (SNPs&GO not captured due to low reliability index). This variant was found in 1271/23496 control chromosomes (51 homozygotes) at a frequency of 0.0540943, which is approximately 3157 times the estimated maximal expected allele frequency of a pathogenic PTCH1 variant (0.0000171), suggesting this variant is likely a benign polymorphism. This variant has been reported in NBCCS patients. One patient also carried a potentially pathogenic variant c.3499G>A (p.G1167R), further supporting the benign classification. In addition, multiple clinical diagnostic laboratories classified this variant as benign. Taken together, this variant is classified as benign.

PreventionGenetics, part of Exact Sciences
Classification: Benign. Last evaluated: 2016-03-02. Review status: criteria provided, single submitter. Criteria: ACMG Guidelines, 2015. Collection method: clinical testing. Allele origin: germline.

Eurofins Ntd Llc (ga)
Classification: Benign. Last evaluated: 2015-03-13. Review status: criteria provided, single submitter. Criteria: EGL Classification Definitions 2015. Collection method: clinical testing. Allele origin: germline. Observed: 1 variant allele, 1 heterozygote.

Ambry Genetics
Classification: Benign for Hereditary cancer-predisposing syndrome. Last evaluated: 2014-12-03. Review status: criteria provided, single submitter. Criteria: Ambry Variant Classification Scheme 2023. Collection method: clinical testing. Allele origin: germline.

GeneDx
Classification: Benign. Last evaluated: 2013-08-27. Review status: criteria provided, single submitter. Criteria: GeneDx Variant Classification (06012015). Collection method: clinical testing. Allele origin: germline.
Comment: The variant is found in PTCH panel(s).

Breakthrough Genomics
Classification: Likely benign. Review status: criteria provided, single submitter. Criteria: ACMG Guidelines, 2015. Collection method: not provided. Allele origin: germline. Inheritance: Autosomal dominant inheritance. Affected: yes.

ITMI
No classification provided. Condition: AllHighlyPenetrant. Last evaluated: 2013-09-19. Review status: no classification provided. Collection method: reference population. Allele origin: germline. Not counted in ClinVar's aggregate classification.
Comment: Please see associated publication for description of ethnicities

Genome Diagnostics Laboratory, University Medical Center Utrecht
Classification: Benign. Review status: no assertion criteria provided. Collection method: clinical testing. Allele origin: germline. Affected: yes. Study: VKGL Data-share Consensus. Not counted in ClinVar's aggregate classification.

Laboratory of Diagnostic Genome Analysis, Leiden University Medical Center (LUMC)
Classification: Benign. Review status: no assertion criteria provided. Collection method: clinical testing. Allele origin: germline. Affected: yes. Study: VKGL Data-share Consensus. Not counted in ClinVar's aggregate classification.

Literature cited by the submitters: PubMed 12925203 (cited by Women's Health and Genetics/Laboratory Corporation of America, LabCorp); PubMed 15712338 (cited by Women's Health and Genetics/Laboratory Corporation of America, LabCorp); PubMed 24728327 (cited by ITMI).